The following is an entry in ClinVar:

ClinVar aggregate classification (germline): Uncertain significance. Review status: criteria provided, multiple submitters, no conflicts (2 of 4 stars). 2 submissions from 2 submitters: Uncertain significance (2). Last evaluated 2025-08-07.

Conditions:
Dyskeratosis congenita, autosomal dominant 2. Identifiers: MedGen C3151443, MONDO:0013521, OMIM 613989.
Idiopathic Pulmonary Fibrosis. Also called: Idiopathic fibrosing alveolitis, chronic form; idiopathic fibrosing alveolitis. Identifiers: Orphanet 2032, MedGen C1800706, MeSH D054990, MONDO:0800504.
Dyskeratosis congenita. Identifiers: Orphanet 1775, MedGen C0265965, MONDO:0015780.

Submissions (2):

Ambry Genetics
Classification: Uncertain significance for Dyskeratosis congenita. Last evaluated: 2025-08-07. Review status: criteria provided, single submitter. Criteria: Ambry Variant Classification Scheme 2023. Collection method: clinical testing. Allele origin: germline.
Comment: The p.L556V variant (also known as c.1666C>G), located in coding exon 3 of the TERT gene, results from a C to G substitution at nucleotide position 1666. The leucine at codon 556 is replaced by valine, an amino acid with highly similar properties. This amino acid position is conserved. In addition, the in silico prediction for this alteration is inconclusive. Based on the available evidence, the clinical significance of this variant remains unclear.

Labcorp Genetics (formerly Invitae), Labcorp
Classification: Uncertain significance for Dyskeratosis congenita, autosomal dominant 2; Idiopathic Pulmonary Fibrosis. Last evaluated: 2024-11-05. Review status: criteria provided, single submitter. Criteria: Invitae Variant Classification Sherloc (09022015). Collection method: clinical testing. Allele origin: germline.
Comment: This sequence change replaces leucine, which is neutral and non-polar, with valine, which is neutral and non-polar, at codon 556 of the TERT protein (p.Leu556Val). This variant is not present in population databases (gnomAD no frequency). This variant has not been reported in the literature in individuals affected with TERT-related conditions. An algorithm developed to predict the effect of missense changes on protein structure and function outputs the following: PolyPhen-2: "Possibly Damaging". The valine amino acid residue is found in multiple mammalian species, which suggests that this missense change does not adversely affect protein function. In summary, the available evidence is currently insufficient to determine the role of this variant in disease. Therefore, it has been classified as a Variant of Uncertain Significance.

NM_198253.3(TERT):c.1666C>G (p.Leu556Val)

Gene: TERT (telomerase reverse transcriptase; minus strand). Cytogenetic location: 5p15.33.
Variant type: single nucleotide variant.
Coding change: c.1666C>G on transcript NM_198253.3 (MANE Select); coding-DNA position 1666, C replaced by G.
Protein change: p.Leu556Val; replaces leucine 556 with valine.
Molecular consequence: missense variant. On other transcripts: non-coding transcript variant (2).
Genome position (GRCh38, 1-based): chr5:1,282,532, G>C on the plus strand (C>G on the coding strand, the complement: TERT is on the minus strand). VCF-style: chr5-1282532-G-C. GRCh37 (hg19) VCF-style: chr5-1282647-G-C.
Other names: c.1666C>G, p.Leu556Val (NM_001193376.3); short protein forms L556V.
Identifiers: ClinVar variation 3754371 (VCV003754371.3).